The following is an entry in ClinVar:

NM_000903.3(NQO1):c.205C>A (p.Pro69Thr)

Gene: NQO1 (NAD(P)H quinone dehydrogenase 1; minus strand). Cytogenetic location: 16q22.1.
Variant type: single nucleotide variant.
Coding change: c.205C>A on transcript NM_000903.3 (MANE Select); coding-DNA position 205, C replaced by A.
Protein change: p.Pro69Thr; replaces proline 69 with threonine.
Molecular consequence: missense variant.
Genome position (GRCh38, 1-based): chr16:69,718,221, G>T on the plus strand (C>A on the coding strand, the complement: NQO1 is on the minus strand). VCF-style: chr16-69718221-G-T. GRCh37 (hg19) VCF-style: chr16-69752124-G-T.
Other names: c.205C>A, p.Pro69Thr (NM_001025433.2, NM_001025434.2, NM_001286137.2); short protein forms P69T.
Identifiers: ClinVar variation 1785189 (VCV001785189.3), dbSNP rs2544332515, ClinGen allele CA396490149.
Genomic context (GRCh38, chr16:69,718,221, plus strand): 5'-GTTCAGCCACAATATCTGGGCTCAGATGGCCTTCTTTATAAGCCAGAACAGACTCGGCAG[G>T]ATACTGAAAGTTCGCAGGGTCCTTCAGTTTACCTGCAGAGAAGAAAAAGAGAGGCTGGGG-3'
Protein context (NP_000894.1, residues 59-79): KLKDPANFQY[Pro69Thr]AESVLAYKEG

ClinVar aggregate classification (germline): Uncertain significance (1 of 4 stars; one submission).

Submission:

Ambry Genetics
Classification: Uncertain significance. Last evaluated: 2023-07-18. Review status: criteria provided, single submitter. Criteria: Ambry Variant Classification Scheme 2023. Collection method: clinical testing. Allele origin: germline.
Comment: The p.P69T variant (also known as c.205C>A), located in coding exon 3 of the NQO1 gene, results from a C to A substitution at nucleotide position 205. The proline at codon 69 is replaced by threonine, an amino acid with highly similar properties. This amino acid position is conserved. In addition, this alteration is predicted to be tolerated by in silico analysis. Since supporting evidence is limited at this time, the clinical significance of this alteration remains unclear.